The following is an entry in ClinVar:

NM_015488.5(PNKD):c.312_316del (p.Tyr104_Lys106delinsTer)

Genes: CATIP-AS2 (CATIP antisense RNA 2; minus strand), PNKD (PNKD metallo-beta-lactamase domain containing; plus strand). Cytogenetic location: 2q35.
Variant type: Deletion.
Coding change: c.312_316del on transcript NM_015488.5 (MANE Select); coding-DNA positions 312 to 316, 5 bases deleted (CCCTA; older notation c.312_316delCCCTA).
Protein change: p.Tyr104_Lys106delinsTer.
Molecular consequence: nonsense. On other transcripts: frameshift variant (1).
Genome position (GRCh38, 1-based): chr2:218,339,858-218,339,862, CCCTA deleted; deleting any 5 consecutive bases within chr2:218,339,855-218,339,862 gives the same sequence; the c. name uses the placement nearest the transcript's 3' end. VCF-style (leftmost placement, unchanged base first): chr2-218339854-GCTACC-G. GRCh37 (hg19) VCF-style: chr2-219204577-GCTACC-G.
Other names: c.240_244delCCCTA, p.Tyr80Terfs (NM_022572.5).
Identifiers: ClinVar variation 2741171 (VCV002741171.3), dbSNP rs745362726, ClinGen allele CA2103889.
Genomic context (GRCh38, chr2:218,339,854, plus strand): 5'-ACACCCGCACCTGGCTCGGGTACCTCTTCTACCGACAGCAGCTGCGCAGGGCTCGGAATC[GCTACC>G]CTAAAGGCCACTCGAAAACCCAGCCCCGCCTCTTCAATGGTGAGCTCTGACTGCCCCGGC-3'

ClinVar aggregate classification (germline): Uncertain significance (1 of 4 stars; one submission).

Conditions:
Paroxysmal nonkinesigenic dyskinesia. Also called: Paroxysmal non-kinesigenic dyskinesia. Identifiers: Orphanet 98810, MedGen C1869117, MONDO:0700088.

Submission:

Labcorp Genetics (formerly Invitae), Labcorp
Classification: Uncertain significance for Paroxysmal nonkinesigenic dyskinesia. Last evaluated: 2025-06-09. Review status: criteria provided, single submitter. Criteria: Invitae Variant Classification Sherloc (09022015). Collection method: clinical testing. Allele origin: germline.
Comment: This sequence change creates a premature translational stop signal (p.Tyr104*) in the PNKD gene. It is expected to result in an absent or disrupted protein product. However, the current clinical and genetic evidence is not sufficient to establish whether loss-of-function variants in PNKD cause disease. This variant is present in population databases (rs745362726, gnomAD 0.01%). This variant has not been reported in the literature in individuals affected with PNKD-related conditions. ClinVar contains an entry for this variant (Variation ID: 2741171). In summary, the available evidence is currently insufficient to determine the role of this variant in disease. Therefore, it has been classified as a Variant of Uncertain Significance.